The following is an entry in ClinVar:

NM_020706.2(SCAF4):c.599dup (p.Leu201fs)

Gene: SCAF4 (SR-related CTD associated factor 4; minus strand). Cytogenetic location: 21q22.11.
Variant type: Duplication.
Coding change: c.599dup on transcript NM_020706.2 (MANE Select); coding-DNA position 599, one base duplicated (A; older notation c.599dupA).
Protein change: p.Leu201fs; shifts the reading frame from leucine 201.
Molecular consequence: frameshift variant.
Genome position (GRCh38, 1-based): chr21:31,701,777, T duplicated on the plus strand (A on the coding strand, the reverse complement: SCAF4 is on the minus strand). VCF-style (leftmost placement, unchanged base first): chr21-31701776-C-CT. GRCh37 (hg19) VCF-style: chr21-33074089-C-CT.
Other names: c.554dup, p.Leu186fs (NM_001145444.1); c.599dup, p.Leu201fs (NM_001145445.1); short protein forms L186fs, L201fs.
Identifiers: ClinVar variation 4852218 (VCV004852218.1).
Genomic context (GRCh38, chr21:31,701,776, plus strand): 5'-CAAGAAGTGACAACAGTACCTAGTCCTGCAAACAATTTCACTTTTGAGTAGACAGTTTAC[C>CT]TGTTGGCCTTGAGTTGTCTGAAACAGCTGAGCCACAGCAGCAAAAGCATCAGAGCTGGGC-3'

ClinVar aggregate classification (germline): Pathogenic (1 of 4 stars; one submission).

Conditions:
Fliedner-Zweier syndrome (FZS). Identifiers: MedGen C5882693, MONDO:0957787, OMIM 620511.

Submission:

Variantyx, Inc.
Classification: Pathogenic for Fliedner-Zweier syndrome. Last evaluated: 2026-01-08. Review status: criteria provided, single submitter. Criteria: Variantyx Assertion Criteria 2022. Collection method: clinical testing. Allele origin: de novo. Inheritance: Autosomal dominant inheritance. Affected: yes.
Comment: This is a frameshift variant in the SCAF4 gene (OMIM: 616023). Pathogenic variants in this gene have been associated with autosomal dominant Fliedner-Zweier syndrome. The alteration introduces a premature termination codon in exon 6 out of 20 and is expected to result in loss of function, which is a known disease mechanism for SCAF4 in this disorder (PMID: 32730804) (PVS1). This variant has not been reported in individuals with SCAF4-related disorders in the databases available for review and it is absent from control populations (PM2). Based on the current evidence, this variant is classified as pathogenic for autosomal dominant Fliedner-Zweier syndrome.

Literature cited by the submitters: PubMed 32730804.